The following is an entry in ClinVar:

ClinVar aggregate classification (germline): Uncertain significance. Review status: criteria provided, multiple submitters, no conflicts (2 of 4 stars). 2 submissions from 2 submitters: Uncertain significance (2). Last evaluated 2025-04-14.

Conditions:
Hereditary cancer-predisposing syndrome. Also called: Hereditary Cancer Syndrome; Tumor predisposition; Hereditary neoplastic syndrome; Neoplastic Syndromes, Hereditary. Identifiers: Orphanet 140162, MedGen C0027672, MeSH D009386, MONDO:0015356.
Retinoblastoma (RB1). Also called: RETINOBLASTOMA, SOMATIC. Identifiers: Orphanet 790, MedGen C0035335, MeSH D012175, MONDO:0008380, OMIM 180200, HP:0009919. Disease mechanism: loss of function. Inheritance: Both sporadic and heritable forms are tested..

Submissions (2):

Labcorp Genetics (formerly Invitae), Labcorp
Classification: Uncertain significance for Retinoblastoma. Last evaluated: 2025-04-14. Review status: criteria provided, single submitter. Criteria: Invitae Variant Classification Sherloc (09022015). Collection method: clinical testing. Allele origin: germline.
Comment: This sequence change replaces serine, which is neutral and polar, with tyrosine, which is neutral and polar, at codon 469 of the RB1 protein (p.Ser469Tyr). This variant is not present in population databases (gnomAD no frequency). This variant has not been reported in the literature in individuals affected with RB1-related conditions. ClinVar contains an entry for this variant (Variation ID: 1041346). Invitae Evidence Modeling of protein sequence and biophysical properties (such as structural, functional, and spatial information, amino acid conservation, physicochemical variation, residue mobility, and thermodynamic stability) indicates that this missense variant is expected to disrupt RB1 protein function with a positive predictive value of 80%. In summary, the available evidence is currently insufficient to determine the role of this variant in disease. Therefore, it has been classified as a Variant of Uncertain Significance.

Ambry Genetics
Classification: Uncertain significance for Hereditary cancer-predisposing syndrome. Last evaluated: 2024-11-07. Review status: criteria provided, single submitter. Criteria: Ambry Variant Classification Scheme 2023. Collection method: clinical testing. Allele origin: germline.
Comment: The p.S469Y variant (also known as c.1406C>A), located in coding exon 15 of the RB1 gene, results from a C to A substitution at nucleotide position 1406. The serine at codon 469 is replaced by tyrosine, an amino acid with dissimilar properties. This amino acid position is highly conserved in available vertebrate species. In addition, the in silico prediction for this alteration is inconclusive. Since supporting evidence is limited at this time, the clinical significance of this alteration remains unclear.

NM_000321.3(RB1):c.1406C>A (p.Ser469Tyr)

Gene: RB1 (RB transcriptional corepressor 1; plus strand). Cytogenetic location: 13q14.2.
Variant type: single nucleotide variant.
Coding change: c.1406C>A on transcript NM_000321.3 (MANE Select); coding-DNA position 1406, C replaced by A.
Protein change: p.Ser469Tyr; replaces serine 469 with tyrosine.
Molecular consequence: missense variant.
Genome position (GRCh38, 1-based): chr13:48,380,069, C>A. VCF-style: chr13-48380069-C-A. GRCh37 (hg19) VCF-style: chr13-48954205-C-A.
Other names: short protein forms S469Y.
Identifiers: ClinVar variation 1041346 (VCV001041346.12), dbSNP rs1243796201, ClinGen allele CA388162705.